The following is an entry in ClinVar:

NM_020320.5(RARS2):c.15T>A (p.Phe5Leu)

Gene: RARS2 (arginyl-tRNA synthetase 2, mitochondrial; minus strand). Cytogenetic location: 6q15.
Variant type: single nucleotide variant.
Coding change: c.15T>A on transcript NM_020320.5 (MANE Select); coding-DNA position 15, T replaced by A.
Protein change: p.Phe5Leu; replaces phenylalanine 5 with leucine.
Molecular consequence: missense variant. On other transcripts: 5 prime UTR variant (7), non-coding transcript variant (23).
Genome position (GRCh38, 1-based): chr6:87,589,943, A>T on the plus strand (T>A on the coding strand, the complement: RARS2 is on the minus strand). VCF-style: chr6-87589943-A-T. GRCh37 (hg19) VCF-style: chr6-88299661-A-T.
Other names: c.-676T>A (NM_001318785.2); c.15T>A, p.Phe5Leu (NM_001350505.2); c.-732T>A (NM_001350506.2, NM_001350510.2); c.-855T>A (NM_001350507.2); c.-894T>A (NM_001350508.2); c.-602T>A (NM_001350509.2); c.-851T>A (NM_001350511.2); short protein forms F5L.
Identifiers: ClinVar variation 793071 (VCV000793071.11), dbSNP rs545377358, ClinGen allele CA3916849.

ClinVar aggregate classification (germline): Conflicting classifications of pathogenicity. Review status: criteria provided, conflicting classifications (1 of 4 stars). 3 submissions from 3 submitters: Uncertain significance (1); Likely benign (1). 1 of the submissions does not count toward it. Last evaluated 2024-10-29.

Conditions:
Pontocerebellar hypoplasia type 6 (PCH6). Identifiers: Orphanet 166073, MedGen C1969084, MONDO:0012683, OMIM 611523.

Allele frequency attached by ClinVar (database versions not stated): gnomAD 0.00006; TOPMed 0.00010; 1000 Genomes Project 30x 0.00016.
gnomAD v4.1: 42 of 1,614,164 alleles (0.0026%); highest among the groups gnomAD compares: East Asian, 0.087%; no homozygotes.

Submissions (3):

Labcorp Genetics (formerly Invitae), Labcorp
Classification: Likely benign. Last evaluated: 2024-10-29. Review status: criteria provided, single submitter. Criteria: Invitae Variant Classification Sherloc (09022015). Collection method: clinical testing. Allele origin: germline.

GeneDx
Classification: Uncertain significance. Last evaluated: 2024-07-01. Review status: criteria provided, single submitter. Criteria: GeneDx Variant Classification Process June 2021. Collection method: clinical testing. Allele origin: germline. Affected: yes.
Comment: In silico analysis supports that this missense variant has a deleterious effect on protein structure/function; Has not been previously published as pathogenic or benign to our knowledge

Natera, Inc.
Classification: Likely benign for Pontocerebellar hypoplasia, type 6. Last evaluated: 2020-09-14. Review status: no assertion criteria provided. Collection method: clinical testing. Allele origin: germline. Not counted in ClinVar's aggregate classification.